The following is an entry in ClinVar:

ClinVar aggregate classification (germline): Uncertain significance (1 of 4 stars; one submission).

gnomAD v4.1: 9 of 1,614,190 alleles (0.00056%); highest among the groups gnomAD compares: African/African-American, 0.0013%; no homozygotes.

Submission:

Labcorp Genetics (formerly Invitae), Labcorp
Classification: Uncertain significance. Last evaluated: 2025-10-06. Review status: criteria provided, single submitter. Criteria: Invitae Variant Classification Sherloc (09022015). Collection method: clinical testing. Allele origin: germline.
Comment: This sequence change replaces leucine, which is neutral and non-polar, with valine, which is neutral and non-polar, at codon 285 of the LIPG protein (p.Leu285Val). This variant is present in population databases (rs759983964, gnomAD 0.007%). This variant has not been reported in the literature in individuals affected with LIPG-related conditions. An algorithm developed to predict the effect of missense changes on protein structure and function (PolyPhen-2) suggests that this variant is likely to be disruptive. In summary, the available evidence is currently insufficient to determine the role of this variant in disease. Therefore, it has been classified as a Variant of Uncertain Significance.

NM_006033.4(LIPG):c.853C>G (p.Leu285Val)

Gene: LIPG (lipase G, endothelial type; plus strand). Cytogenetic location: 18q21.1.
Variant type: single nucleotide variant.
Coding change: c.853C>G on transcript NM_006033.4 (MANE Select); coding-DNA position 853, C replaced by G.
Protein change: p.Leu285Val; replaces leucine 285 with valine.
Molecular consequence: missense variant.
Genome position (GRCh38, 1-based): chr18:49,581,474, C>G. VCF-style: chr18-49581474-C-G. GRCh37 (hg19) VCF-style: chr18-47107844-C-G.
Other names: c.631C>G, p.Leu211Val (NM_001308006.2); short protein forms L211V, L285V.
Identifiers: ClinVar variation 4699065 (VCV004699065.1).